The following is an entry in ClinVar:

NM_021224.6(ZNF462):c.6684C>T (p.Tyr2228=)

Gene: ZNF462 (zinc finger protein 462; plus strand). Cytogenetic location: 9q31.2.
Variant type: single nucleotide variant.
Coding change: c.6684C>T on transcript NM_021224.6 (MANE Select); coding-DNA position 6684, C replaced by T.
Protein change: p.Tyr2228=; no amino-acid change (tyrosine 2228 retained).
Molecular consequence: synonymous variant.
Genome position (GRCh38, 1-based): chr9:106,972,261, C>T. VCF-style: chr9-106972261-C-T. GRCh37 (hg19) VCF-style: chr9-109734542-C-T.
Other names: c.4089C>T, p.Tyr1363= (NM_001347997.2).
Identifiers: ClinVar variation 4823017 (VCV004823017.4).

ClinVar aggregate classification (germline): Likely benign (1 of 4 stars; one submission).

Submission:

CeGaT Center for Human Genetics Tuebingen
Classification: Likely benign. Last evaluated: 2026-01-01. Review status: criteria provided, single submitter. Criteria: CeGaT Center For Human Genetics Tuebingen Variant Classification Criteria Version 2. Collection method: clinical testing. Allele origin: germline. Affected: yes. Observed: 1 variant allele.
Comment: ZNF462: BP4, BP7